The following is an entry in ClinVar:

NM_001127222.2(CACNA1A):c.6712_6735dup (p.Trp2245_Ser2246insAlaArgAlaArgAspGlnArgTrp)

Genes: CACNA1A (calcium voltage-gated channel subunit alpha1 A; minus strand), LOC130063717 (ATAC-STARR-seq lymphoblastoid silent region 10203; plus strand). Cytogenetic location: 19p13.13.
Variant type: Duplication.
Coding change: c.6712_6735dup on transcript NM_001127222.2 (MANE Select); coding-DNA positions 6712 to 6735, 24 bases duplicated (GCACGGGCTCGGGACCAGCGCTGG).
Protein change: p.Trp2245_Ser2246insAlaArgAlaArgAspGlnArgTrp.
Molecular consequence: inframe insertion.
Genome position (GRCh38, 1-based): chr19:13,208,801-13,208,824, CCAGCGCTGGTCCCGAGCCCGTGC duplicated on the plus strand (GCACGGGCTCGGGACCAGCGCTGG on the coding strand, the reverse complement: CACNA1A is on the minus strand); duplicating any 24 consecutive bases within chr19:13,208,801-13,208,826 gives the same sequence; the c. name uses the placement nearest the transcript's 3' end. VCF-style (leftmost placement, unchanged base first): chr19-13208800-A-ACCAGCGCTGGTCCCGAGCCCGTGC. GRCh37 (hg19) VCF-style: chr19-13319614-A-ACCAGCGCTGGTCCCGAGCCCGTGC.
Other names: c.6730_6753dup, p.Trp2251_Ser2252insAlaArgAlaArgAspGlnArgTrp (NM_000068.4, NM_023035.3); c.6715_6738dup, p.Trp2246_Ser2247insAlaArgAlaArgAspGlnArgTrp (NM_001127221.2); c.6721_6744dup, p.Trp2248_Ser2249insAlaArgAlaArgAspGlnArgTrp (NM_001174080.2).
Identifiers: ClinVar variation 2160825 (VCV002160825.4), dbSNP rs2054680718, ClinGen allele CA993702821.

ClinVar aggregate classification (germline): Uncertain significance (1 of 4 stars; one submission).

Conditions:
Developmental and epileptic encephalopathy, 42 (DEE42A). Also called: DEVELOPMENTAL AND EPILEPTIC ENCEPHALOPATHY 42A; EPILEPTIC ENCEPHALOPATHY, EARLY INFANTILE, 42A; Epileptic encephalopathy, early infantile, 42. Identifiers: MedGen C4310716, MONDO:0014917, OMIM 617106.
Episodic ataxia type 2 (EA2). Also called: ATAXIA, EPISODIC, WITH NYSTAGMUS; ATAXIA, FAMILIAL PAROXYSMAL; CEREBELLAR ATAXIA, PAROXYSMAL, ACETAZOLAMIDE-RESPONSIVE; CEREBELLOPATHY, HEREDITARY PAROXYSMAL; EPISODIC ATAXIA, NYSTAGMUS-ASSOCIATED; ACETAZOLAMIDE-RESPONSIVE HEREDITARY PAROXYSMAL CEREBELLAR ATAXIA. Identifiers: Orphanet 97, MedGen C1720416, MONDO:0007163, OMIM 108500.

Submission:

Labcorp Genetics (formerly Invitae), Labcorp
Classification: Uncertain significance for Developmental and epileptic encephalopathy, 42; Episodic ataxia type 2. Last evaluated: 2026-01-05. Review status: criteria provided, single submitter. Criteria: Invitae Variant Classification Sherloc (09022015). Collection method: clinical testing. Allele origin: germline.
Comment: This variant, c.6715_6738dup, results in the insertion of 8 amino acid(s) of the CACNA1A protein (p.Ala2239_Trp2246dup), but otherwise preserves the integrity of the reading frame. This variant is not present in population databases (gnomAD no frequency). This variant has not been reported in the literature in individuals affected with CACNA1A-related conditions. ClinVar contains an entry for this variant (Variation ID: 2160825). Experimental studies and prediction algorithms are not available or were not evaluated, and the functional significance of this variant is currently unknown. In summary, the available evidence is currently insufficient to determine the role of this variant in disease. Therefore, it has been classified as a Variant of Uncertain Significance.